The following is an entry in ClinVar:

NM_006343.3(MERTK):c.2189+17_2189+18insATCCTCCACCACAGCCTCCCGAGTAGCTGGGACTACAGGCGAGTGCCACCATGCTTGGCTAATTTTTGTATTTTNNNNNNNNNNAAAAAAAAAAAAAAAAAAAAAAGAGTCCTCGGCTA

Gene: MERTK (MER proto-oncogene, tyrosine kinase; plus strand). Cytogenetic location: 2q13.
Variant type: Insertion.
Coding change: c.2189+17_2189+18insATCCTCCACCACAGCCTCCCGAGTAGCTGGGACTACAGGCGAGTGCCACCATGCTTGGCTAATTTTTGTATTTTNNNNNNNNNNAAAAAAAAAAAAAAAAAAAAAAGAGTCCTCGGCTA on transcript NM_006343.3 (MANE Select); bases 17 to 18 of the intron after coding-DNA position 2189, ATCCTCCACCACAGCCTCCCGAGTAGCTGGGACTACAGGCGAGTGCCACCATGCTTGGCTAATTTTTGTATTTTNNNNNNNNNNAAAAAAAAAAAAAAAAAAAAAAGAGTCCTCGGCTA inserted.
Molecular consequence: intron variant.
Genome position: GRCh38: chr2:112,019,539-112,019,540. GRCh37 (hg19): chr2:112,777,116-112,777,117.
Identifiers: ClinVar variation 2134635 (VCV002134635.4), dbSNP rs2466909657.

ClinVar aggregate classification (germline): Uncertain significance (1 of 4 stars; one submission).

Submission:

Labcorp Genetics (formerly Invitae), Labcorp
Classification: Uncertain significance. Last evaluated: 2022-05-05. Review status: criteria provided, single submitter. Criteria: Invitae Variant Classification Sherloc (09022015). Collection method: clinical testing. Allele origin: germline.
Comment: This sequence change falls in intron 16 of the MERTK gene. It does not directly change the encoded amino acid sequence of the MERTK protein. This variant is not present in population databases (gnomAD no frequency). This variant has not been reported in the literature in individuals affected with MERTK-related conditions. Algorithms developed to predict the effect of sequence changes on RNA splicing suggest that this variant may disrupt the consensus splice site. In summary, the available evidence is currently insufficient to determine the role of this variant in disease. Therefore, it has been classified as a Variant of Uncertain Significance.